The following is an entry in ClinVar:

NM_000179.3(MSH6):c.2035T>C (p.Leu679=)

Gene: MSH6 (mutS homolog 6; plus strand). Cytogenetic location: 2p16.3.
Variant type: single nucleotide variant.
Coding change: c.2035T>C on transcript NM_000179.3 (MANE Select); coding-DNA position 2035, T replaced by C.
Protein change: p.Leu679=; no amino-acid change (leucine 679 retained).
Molecular consequence: synonymous variant.
Genome position (GRCh38, 1-based): chr2:47,800,018, T>C. VCF-style: chr2-47800018-T-C. GRCh37 (hg19) VCF-style: chr2-48027157-T-C.
Other names: c.1645T>C, p.Leu549= (NM_001281492.2); c.1129T>C, p.Leu377= (NM_001281493.2, NM_001281494.2).
Identifiers: ClinVar variation 186833 (VCV000186833.16), dbSNP rs757741943, ClinGen allele CA009582.

ClinVar aggregate classification (germline): Benign/Likely benign. Review status: criteria provided, multiple submitters, no conflicts (2 of 4 stars). 4 submissions from 4 submitters: Benign (1); Likely benign (2). 1 of the submissions does not count toward it. Last evaluated 2025-08-11.

Conditions:
Hereditary nonpolyposis colorectal neoplasms. Identifiers: MedGen C0009405, MeSH D003123.
Hereditary cancer-predisposing syndrome. Also called: Neoplastic Syndromes, Hereditary; Tumor predisposition; Hereditary Cancer Syndrome; Hereditary neoplastic syndrome. Identifiers: Orphanet 140162, MedGen C0027672, MeSH D009386, MONDO:0015356.
Lynch syndrome 5 (LYNCH5). Also called: Colorectal cancer, hereditary nonpolyposis, type 5; Hereditary non-polyposis colorectal cancer, type 5. Identifiers: Orphanet 144, MedGen C1833477, MONDO:0013710, OMIM 614350. Disease mechanism: loss of function.

Allele frequency attached by ClinVar (database versions not stated): ExAC 0.00001; gnomAD exomes 0.00001.
gnomAD v4.1: 4 of 1,614,090 alleles (0.00025%); highest among the groups gnomAD compares: African/African-American, 0.0013%; no homozygotes.

Submissions (4):

Labcorp Genetics (formerly Invitae), Labcorp
Classification: Likely benign for Hereditary nonpolyposis colorectal neoplasms. Last evaluated: 2025-08-11. Review status: criteria provided, single submitter. Criteria: Invitae Variant Classification Sherloc (09022015). Collection method: clinical testing. Allele origin: germline.

Myriad Genetics, Inc.
Classification: Benign for Lynch syndrome 5. Last evaluated: 2023-03-28. Review status: criteria provided, single submitter. Criteria: Myriad Autosomal Dominant, Autosomal Recessive and X-Linked Classification Criteria (2023). Collection method: clinical testing. Allele origin: unknown.
Comment: This variant is considered benign. This variant is a silent/synonymous amino acid change and it is not expected to impact splicing.

Ambry Genetics
Classification: Likely benign for Hereditary cancer-predisposing syndrome. Last evaluated: 2014-10-26. Review status: criteria provided, single submitter. Criteria: Ambry Variant Classification Scheme 2023. Collection method: clinical testing. Allele origin: germline.

Counsyl
Classification: Likely benign for Lynch syndrome 5. Last evaluated: 2015-12-28. Review status: no assertion criteria provided. Collection method: clinical testing. Allele origin: unknown. Not counted in ClinVar's aggregate classification.